The following is an entry in ClinVar:

ClinVar aggregate classification (germline): Conflicting classifications of pathogenicity. Review status: criteria provided, conflicting classifications (1 of 4 stars). 3 submissions from 3 submitters: Uncertain significance (2); Benign (1). Last evaluated 2025-08-05.

Conditions:
Adams-Oliver syndrome 5 (AOS5). Identifiers: Orphanet 974, MedGen C4014970, MONDO:0014459, OMIM 616028.
Familial thoracic aortic aneurysm and aortic dissection (TAAD). Also called: Thoracic aortic aneurysms and dissections. Identifiers: Orphanet 91387, MedGen C4707243, MONDO:0019625.

Allele frequency attached by ClinVar (database versions not stated): gnomAD exomes below 0.00001; gnomAD 0.00001; TOPMed 0.00002.
gnomAD v4.1: 15 of 1,611,182 alleles (0.00093%); highest among the groups gnomAD compares: East Asian, 0.0022%; no homozygotes.

Submissions (3):

Labcorp Genetics (formerly Invitae), Labcorp
Classification: Benign for Adams-Oliver syndrome 5. Last evaluated: 2025-08-05. Review status: criteria provided, single submitter. Criteria: Invitae Variant Classification Sherloc (09022015). Collection method: clinical testing. Allele origin: germline.

Ambry Genetics
Classification: Uncertain significance for Familial thoracic aortic aneurysm and aortic dissection. Last evaluated: 2025-03-18. Review status: criteria provided, single submitter. Criteria: Ambry Variant Classification Scheme 2023. Collection method: clinical testing. Allele origin: germline.
Comment: The p.R2159H variant (also known as c.6476G>A), located in coding exon 34 of the NOTCH1 gene, results from a G to A substitution at nucleotide position 6476. The arginine at codon 2159 is replaced by histidine, an amino acid with highly similar properties. This amino acid position is conserved. In addition, the in silico prediction for this alteration is inconclusive. Since supporting evidence is limited at this time, the clinical significance of this alteration remains unclear.

GeneDx
Classification: Uncertain significance. Last evaluated: 2023-09-13. Review status: criteria provided, single submitter. Criteria: GeneDx Variant Classification Process June 2021. Collection method: clinical testing. Allele origin: germline. Affected: yes.
Comment: Not observed at significant frequency in large population cohorts (gnomAD); In silico analysis supports that this missense variant has a deleterious effect on protein structure/function; Has not been previously published as pathogenic or benign to our knowledge

NM_017617.5(NOTCH1):c.6476G>A (p.Arg2159His)

Gene: NOTCH1 (notch receptor 1; minus strand). Cytogenetic location: 9q34.3.
Variant type: single nucleotide variant.
Coding change: c.6476G>A on transcript NM_017617.5 (MANE Select); coding-DNA position 6476, G replaced by A.
Protein change: p.Arg2159His; replaces arginine 2159 with histidine.
Molecular consequence: missense variant.
Genome position (GRCh38, 1-based): chr9:136,497,263, C>T on the plus strand (G>A on the coding strand, the complement: NOTCH1 is on the minus strand). VCF-style: chr9-136497263-C-T. GRCh37 (hg19) VCF-style: chr9-139391715-C-T.
Other names: c.6476G>A, p.Arg2159His (LRG_1122t1); short protein forms R2159H.
Identifiers: ClinVar variation 409038 (VCV000409038.12), dbSNP rs1060502233, ClinGen allele CA16612716.